The following is an entry in ClinVar:

ClinVar aggregate classification (germline): Uncertain significance (1 of 4 stars; one submission).

Allele frequency attached by ClinVar (database versions not stated): gnomAD exomes below 0.00001 and 0.00001; ExAC 0.00002; TOPMed 0.00002; gnomAD 0.00004; ESP Exome Variant Server 0.00008.
gnomAD v4.1: 9 of 1,614,040 alleles (0.00056%); highest among the groups gnomAD compares: African/African-American, 0.011%; no homozygotes.

Submission:

Labcorp Genetics (formerly Invitae), Labcorp
Classification: Uncertain significance. Last evaluated: 2022-08-23. Review status: criteria provided, single submitter. Criteria: Invitae Variant Classification Sherloc (09022015). Collection method: clinical testing. Allele origin: germline.
Comment: ClinVar contains an entry for this variant (Variation ID: 1054897). This sequence change replaces alanine, which is neutral and non-polar, with serine, which is neutral and polar, at codon 603 of the DARS2 protein (p.Ala603Ser). This variant is present in population databases (rs374139931, gnomAD 0.02%). This variant has not been reported in the literature in individuals affected with DARS2-related conditions. Advanced modeling of protein sequence and biophysical properties (such as structural, functional, and spatial information, amino acid conservation, physicochemical variation, residue mobility, and thermodynamic stability) performed at Invitae indicates that this missense variant is expected to disrupt DARS2 protein function. In summary, the available evidence is currently insufficient to determine the role of this variant in disease. Therefore, it has been classified as a Variant of Uncertain Significance.

NM_018122.5(DARS2):c.1807G>T (p.Ala603Ser)

Gene: DARS2 (aspartyl-tRNA synthetase 2, mitochondrial; plus strand). Cytogenetic location: 1q25.1.
Variant type: single nucleotide variant.
Coding change: c.1807G>T on transcript NM_018122.5 (MANE Select); coding-DNA position 1807, G replaced by T.
Protein change: p.Ala603Ser; replaces alanine 603 with serine.
Molecular consequence: missense variant.
Genome position (GRCh38, 1-based): chr1:173,857,574, G>T. VCF-style: chr1-173857574-G-T. GRCh37 (hg19) VCF-style: chr1-173826712-G-T.
Other names: c.1654G>T, p.Ala552Ser (NM_001365212.1); short protein forms A552S, A603S.
Identifiers: ClinVar variation 1054897 (VCV001054897.5), dbSNP rs374139931, ClinGen allele CA1250531.